The following is an entry in ClinVar:

NM_199355.4(ADAMTS18):c.1201C>A (p.Pro401Thr)

Gene: ADAMTS18 (ADAM metallopeptidase with thrombospondin type 1 motif 18; minus strand). Cytogenetic location: 16q23.1.
Variant type: single nucleotide variant.
Coding change: c.1201C>A on transcript NM_199355.4 (MANE Select); coding-DNA position 1201, C replaced by A.
Protein change: p.Pro401Thr; replaces proline 401 with threonine.
Molecular consequence: missense variant.
Genome position (GRCh38, 1-based): chr16:77,362,120, G>T on the plus strand (C>A on the coding strand, the complement: ADAMTS18 is on the minus strand). VCF-style: chr16-77362120-G-T. GRCh37 (hg19) VCF-style: chr16-77396017-G-T.
Other names: c.685C>A, p.Pro229Thr (NM_001326358.2); short protein forms P229T, P401T.
Identifiers: ClinVar variation 3648088 (VCV003648088.2).

ClinVar aggregate classification (germline): Uncertain significance (1 of 4 stars; one submission).

gnomAD v4.1: 1 of 1,614,024 alleles (0.000062%); highest among the groups gnomAD compares: South Asian, 0.0011%; no homozygotes.

Submission:

Labcorp Genetics (formerly Invitae), Labcorp
Classification: Uncertain significance. Last evaluated: 2024-03-28. Review status: criteria provided, single submitter. Criteria: Invitae Variant Classification Sherloc (09022015). Collection method: clinical testing. Allele origin: germline.
Comment: This sequence change replaces proline, which is neutral and non-polar, with threonine, which is neutral and polar, at codon 401 of the ADAMTS18 protein (p.Pro401Thr). This variant is present in population databases (rs765866153, gnomAD 0.003%). This variant has not been reported in the literature in individuals affected with ADAMTS18-related conditions. An algorithm developed to predict the effect of missense changes on protein structure and function (PolyPhen-2) suggests that this variant is likely to be disruptive. In summary, the available evidence is currently insufficient to determine the role of this variant in disease. Therefore, it has been classified as a Variant of Uncertain Significance.